The following is an entry in ClinVar:

ClinVar aggregate classification (germline): Conflicting classifications of pathogenicity. Review status: criteria provided, conflicting classifications (1 of 4 stars). 7 submissions from 7 submitters: Uncertain significance (3); Benign (1); Likely benign (2). 1 of the submissions does not count toward it. Last evaluated 2026-01-20.

Conditions:
Obesity due to pro-opiomelanocortin deficiency. Also called: PROOPIOMELANOCORTIN DEFICIENCY; Obesity, adrenal insufficiency, and red hair due to POMC deficiency; OBESITY, EARLY-ONSET, WITH ADRENAL INSUFFICIENCY AND RED HAIR. Identifiers: Orphanet 71526, MedGen C1857854, MONDO:0012335, OMIM 609734.
Inherited obesity. Also called: Monogenic Obesity. Identifiers: Orphanet 77828, MedGen C4054476, MONDO:0019182, OMIM 601665.
POMC-related disorder. Also called: POMC-related disorders; POMC-related condition.

Allele frequency attached by ClinVar (database versions not stated): gnomAD exomes 0.00020 and 0.00053; ExAC 0.00076; 1000 Genomes Project 0.00200; 1000 Genomes Project 30x 0.00203; gnomAD 0.00224 and 0.00247; TOPMed 0.00225; ESP Exome Variant Server 0.00300.
gnomAD v4.1: 633 of 1,609,980 alleles (0.039%); highest among the groups gnomAD compares: African/African-American, 0.78%; 5 homozygotes.

Submissions (7):

Labcorp Genetics (formerly Invitae), Labcorp
Classification: Benign. Last evaluated: 2026-01-20. Review status: criteria provided, single submitter. Criteria: Invitae Variant Classification Sherloc (09022015). Collection method: clinical testing. Allele origin: germline.

GeneDx
Classification: Uncertain significance. Last evaluated: 2025-12-20. Review status: criteria provided, single submitter. Criteria: GeneDx Variant Classification Process June 2021. Collection method: clinical testing. Allele origin: germline. Affected: yes.
Comment: Reported in a couple individuals with obesity, but also reported in control populations (PMID: 16459314, 18091355); In silico analysis suggests that this missense variant does not alter protein structure/function; This variant is associated with the following publications: (PMID: 23028917, 34097736, 22995991, 18091355, 16459314)

Blueprint Genetics
Classification: Likely benign. Last evaluated: 2024-03-19. Review status: criteria provided, single submitter. Criteria: ACMG Guidelines, 2015. Collection method: clinical testing. Allele origin: germline.

New York Genome Center
Classification: Uncertain significance for Inherited obesity; Obesity due to pro-opiomelanocortin deficiency. Last evaluated: 2022-08-02. Review status: criteria provided, single submitter. Criteria: NYGC Assertion Criteria 2020. Collection method: clinical testing. Allele origin: germline. Observed: 3 heterozygotes. Clinical features observed: Type 2 diabetes mellitus (HP:0005978), Hyperlipidemia (HP:0003077), Diabetes mellitus (HP:0000819).

Genetic Services Laboratory, University of Chicago
Classification: Likely benign. Last evaluated: 2020-02-24. Review status: criteria provided, single submitter. Criteria: ACMG Guidelines, 2015. Collection method: clinical testing. Allele origin: germline. Affected: no.

Mendelics
Classification: Uncertain significance for Obesity due to pro-opiomelanocortin deficiency. Last evaluated: 2019-05-28. Review status: criteria provided, single submitter. Criteria: Mendelics Assertion Criteria 2017. Collection method: clinical testing. Allele origin: unknown.

PreventionGenetics, part of Exact Sciences
Classification: Likely benign for POMC-related condition. Last evaluated: 2022-02-04. Review status: no assertion criteria provided. Collection method: clinical testing. Allele origin: germline. Not counted in ClinVar's aggregate classification.
Comment: This variant is classified as likely benign based on ACMG/AMP sequence variant interpretation guidelines (Richards et al. 2015 PMID: 25741868, with internal and published modifications).

NM_000939.4(POMC):c.583G>A (p.Ala195Thr)

Gene: POMC (proopiomelanocortin; minus strand). Cytogenetic location: 2p23.3.
Variant type: single nucleotide variant.
Coding change: c.583G>A on transcript NM_000939.4 (MANE Select); coding-DNA position 583, G replaced by A.
Protein change: p.Ala195Thr; replaces alanine 195 with threonine.
Molecular consequence: missense variant.
Genome position (GRCh38, 1-based): chr2:25,161,302, C>T on the plus strand (G>A on the coding strand, the complement: POMC is on the minus strand). VCF-style: chr2-25161302-C-T. GRCh37 (hg19) VCF-style: chr2-25384171-C-T.
Other names: c.583G>A (NM_001035256.1, NM_000939.3); c.583G>A, p.Ala195Thr (NM_001035256.3, NM_001319204.2, NM_001319205.2); short protein forms A195T.
Identifiers: ClinVar variation 716681 (VCV000716681.25), dbSNP rs141309351, ClinGen allele CA1555268.